The following is an entry in ClinVar:

ClinVar aggregate classification (germline): Uncertain significance. Review status: criteria provided, multiple submitters, no conflicts (2 of 4 stars). 2 submissions from 2 submitters: Uncertain significance (2). Last evaluated 2023-11-16.

Conditions:
Neurofibromatosis, type 1 (NF1). Also called: Peripheral type neurofibromatosis; Neurofibromatosis, type I; VON RECKLINGHAUSEN DISEASE; NEUROFIBROMATOSIS, TYPE I, SOMATIC. Identifiers: Orphanet 636, MedGen C0027831, MONDO:0018975, OMIM 162200. Disease mechanism: loss of function.

Submissions (2):

GeneDx
Classification: Uncertain significance. Last evaluated: 2023-11-16. Review status: criteria provided, single submitter. Criteria: GeneDx Variant Classification Process June 2021. Collection method: clinical testing. Allele origin: germline. Affected: yes.
Comment: Not observed at significant frequency in large population cohorts (gnomAD); In silico analysis supports that this missense variant does not alter protein structure/function; Has not been previously published as pathogenic or benign to our knowledge; This variant is associated with the following publications: (PMID: 25486365)

Labcorp Genetics (formerly Invitae), Labcorp
Classification: Uncertain significance for Neurofibromatosis, type 1. Last evaluated: 2020-01-17. Review status: criteria provided, single submitter. Criteria: Invitae Variant Classification Sherloc (09022015). Collection method: clinical testing. Allele origin: germline.
Comment: In summary, the available evidence is currently insufficient to determine the role of this variant in disease. Therefore, it has been classified as a Variant of Uncertain Significance. Algorithms developed to predict the effect of missense changes on protein structure and function (SIFT, PolyPhen-2, Align-GVGD) all suggest that this variant is likely to be tolerated, but these predictions have not been confirmed by published functional studies and their clinical significance is uncertain. This variant has not been reported in the literature in individuals with NF1-related conditions. This variant is not present in population databases (ExAC no frequency). This sequence change replaces valine with leucine at codon 726 of the NF1 protein (p.Val726Leu). The valine residue is moderately conserved and there is a small physicochemical difference between valine and leucine.

NM_001042492.3(NF1):c.2176G>T (p.Val726Leu)

Gene: NF1 (neurofibromin 1; plus strand). Cytogenetic location: 17q11.2.
Variant type: single nucleotide variant.
Coding change: c.2176G>T on transcript NM_001042492.3 (MANE Select); coding-DNA position 2176, G replaced by T.
Protein change: p.Val726Leu; replaces valine 726 with leucine.
Molecular consequence: missense variant.
Genome position (GRCh38, 1-based): chr17:31,226,609, G>T. VCF-style: chr17-31226609-G-T. GRCh37 (hg19) VCF-style: chr17-29553627-G-T.
Other names: c.2176G>T, p.Val726Leu (NM_000267.4); short protein forms V726L.
Identifiers: ClinVar variation 943986 (VCV000943986.7), dbSNP rs2067019399, ClinGen allele CA398982428.
Genomic context (GRCh38, chr17:31,226,609, plus strand): 5'-GCCATGTCCTGTTTCCGCCACCTCTGTGAGGAAGCAGATATCCGGTGTGGGGTGGATGAA[G>T]TGTCAGTGCATAACCTCTTGCCCAACTATAACACATTCATGGAGTTTGCCTCTGTCAGCA-3'
Protein context (NP_001035957.1, residues 716-736): EADIRCGVDE[Val726Leu]SVHNLLPNYN